The following is an entry in ClinVar:

ClinVar aggregate classification (germline): Uncertain significance. Review status: criteria provided, multiple submitters, no conflicts (2 of 4 stars). 2 submissions from 2 submitters: Uncertain significance (2). Last evaluated 2026-04-20.

Conditions:
REST-related disorder. Also called: REST-related condition.

Allele frequency attached by ClinVar (database versions not stated): gnomAD exomes 0.00001; TOPMed 0.00001; 1000 Genomes Project 30x 0.00031; 1000 Genomes Project 0.00040; ExAC 0.00001; gnomAD 0.00001.
gnomAD v4.1: 14 of 1,613,868 alleles (0.00087%); highest among the groups gnomAD compares: Non-Finnish European, 0.0011%; no homozygotes.

Submissions (2):

PreventionGenetics, part of Exact Sciences
Classification: Uncertain significance for REST-related condition. Last evaluated: 2026-04-20. Review status: criteria provided, single submitter. Criteria: ACMG Guidelines, 2015. Collection method: clinical testing. Allele origin: germline.
Comment: The REST c.1250A>G variant is predicted to result in the amino acid substitution p.Asn417Ser. To our knowledge, this variant has not been reported in the literature. This variant is reported in 0.0066% of alleles in individuals of South Asian descent in gnomAD. At this time, the clinical significance of this variant is uncertain due to the absence of conclusive functional and genetic evidence.

Labcorp Genetics (formerly Invitae), Labcorp
Classification: Uncertain significance. Last evaluated: 2023-04-22. Review status: criteria provided, single submitter. Criteria: Invitae Variant Classification Sherloc (09022015). Collection method: clinical testing. Allele origin: germline.
Comment: Algorithms developed to predict the effect of missense changes on protein structure and function output the following: SIFT: "Not Available"; PolyPhen-2: "Benign"; Align-GVGD: "Not Available". The serine amino acid residue is found in multiple mammalian species, which suggests that this missense change does not adversely affect protein function. In summary, the available evidence is currently insufficient to determine the role of this variant in disease. Therefore, it has been classified as a Variant of Uncertain Significance. ClinVar contains an entry for this variant (Variation ID: 1441762). This variant has not been reported in the literature in individuals affected with REST-related conditions. This variant is present in population databases (rs552744964, gnomAD 0.007%). This sequence change replaces asparagine, which is neutral and polar, with serine, which is neutral and polar, at codon 417 of the REST protein (p.Asn417Ser).

NM_005612.5(REST):c.1250A>G (p.Asn417Ser)

Gene: REST (RE1 silencing transcription factor; plus strand). Cytogenetic location: 4q12.
Variant type: single nucleotide variant.
Coding change: c.1250A>G on transcript NM_005612.5 (MANE Select); coding-DNA position 1250, A replaced by G.
Protein change: p.Asn417Ser; replaces asparagine 417 with serine.
Molecular consequence: missense variant.
Genome position (GRCh38, 1-based): chr4:56,930,108, A>G. VCF-style: chr4-56930108-A-G. GRCh37 (hg19) VCF-style: chr4-57796274-A-G.
Other names: c.1250A>G, p.Asn417Ser (NM_001193508.2, NM_001363453.3); c.1250A>G (NM_005612.4); short protein forms N417S.
Identifiers: ClinVar variation 1441762 (VCV001441762.9), dbSNP rs552744964, ClinGen allele CA2932232.
Genomic context (GRCh38, chr4:56,930,108, plus strand): 5'-CAGCTTCCAAGAAGTGTAATCTACAGTATCACTTCAAATCTAAGCATCCTACTTGTCCTA[A>G]TAAAACAATGGATGTCTCAAAAGTGAAACTAAAGAAAACCAAAAAACGAGAGGCTGACTT-3'
Protein context (NP_005603.3, residues 407-427): HFKSKHPTCP[Asn417Ser]KTMDVSKVKL